The following is an entry in ClinVar:

ClinVar aggregate classification (germline): Uncertain significance (1 of 4 stars; one submission).

Submission:

CeGaT Center for Human Genetics Tuebingen
Classification: Uncertain significance. Last evaluated: 2026-03-01. Review status: criteria provided, single submitter. Criteria: CeGaT Center For Human Genetics Tuebingen Variant Classification Criteria Version 2. Collection method: clinical testing. Allele origin: germline. Affected: yes. Observed: 1 variant allele.
Comment: ABCA1: PM2, PP3

NM_005502.4(ABCA1):c.3476C>T (p.Ser1159Phe)

Gene: ABCA1 (ATP binding cassette subfamily A member 1; minus strand). Cytogenetic location: 9q31.1.
Variant type: single nucleotide variant.
Coding change: c.3476C>T on transcript NM_005502.4 (MANE Select); coding-DNA position 3476, C replaced by T.
Protein change: p.Ser1159Phe; replaces serine 1159 with phenylalanine.
Molecular consequence: missense variant.
Genome position (GRCh38, 1-based): chr9:104,817,391, G>A on the plus strand (C>T on the coding strand, the complement: ABCA1 is on the minus strand). VCF-style: chr9-104817391-G-A. GRCh37 (hg19) VCF-style: chr9-107579672-G-A.
Other names: short protein forms S1159F.
Identifiers: ClinVar variation 4821818 (VCV004821818.4).
Genomic context (GRCh38, chr9:104,817,391, plus strand): 5'-CCGATGGTCAGCGTGTCACTCTCATGGTCGCTGCCCAGGCCAGCATCAGAACTGCTCTGA[G>A]AAACACTGTCCTCCTGATGGCAAAGAAGGAGGTGAGAACGGGTCAGGGACGGAGCAAGGC-3'
Protein context (NP_005493.2, residues 1149-1169): VSYLKKEDSV[Ser1159Phe]QSSSDAGLGS